The following is an entry in ClinVar:

ClinVar aggregate classification (germline): Likely benign. Review status: criteria provided, multiple submitters, no conflicts (2 of 4 stars). 9 submissions from 8 submitters: Likely benign (8). 1 of the submissions does not count toward it. Last evaluated 2026-09-01.

Conditions:
Inborn genetic diseases. Identifiers: MedGen C0950123, MeSH D030342.
Autosomal recessive limb-girdle muscular dystrophy type 2F (LGMDR6). Also called: MUSCULAR DYSTROPHY, LIMB-GIRDLE, AUTOSOMAL RECESSIVE 6; Muscular dystrophy limb-girdle with delta-sarcoglyan deficiency. Identifiers: Orphanet 219, MedGen C1832525, MONDO:0011028, OMIM 601287. Disease mechanism: Affects gamma-sarcoglycan and also disrupts the integrity of the entire sarcoglycan complex..
Dilated cardiomyopathy 1L (CMD1L). Identifiers: Orphanet 154, MedGen C1847667, MONDO:0011702, OMIM 606685.

Allele frequency attached by ClinVar (database versions not stated): ExAC 0.00006; gnomAD exomes 0.00002 and 0.00004; TOPMed 0.00002; gnomAD 0.00003 and 0.00004.
gnomAD v4.1: 28 of 1,603,742 alleles (0.0017%); highest among the groups gnomAD compares: East Asian, 0.033%; no homozygotes.

Submissions (9):

CeGaT Center for Human Genetics Tuebingen
Classification: Likely benign. Last evaluated: 2026-09-01. Review status: criteria provided, single submitter. Criteria: CeGaT Center For Human Genetics Tuebingen Variant Classification Criteria Version 2. Collection method: clinical testing. Allele origin: germline. Affected: yes. Observed: 1 variant allele.
Comment: SGCD: BP4, BP7

Labcorp Genetics (formerly Invitae), Labcorp
Classification: Likely benign for Autosomal recessive limb-girdle muscular dystrophy type 2F. Last evaluated: 2025-12-02. Review status: criteria provided, single submitter. Criteria: Invitae Variant Classification Sherloc (09022015). Collection method: clinical testing. Allele origin: germline.

Ambry Genetics
Classification: Likely benign for Inborn genetic diseases. Last evaluated: 2023-05-22. Review status: criteria provided, single submitter. Criteria: Ambry Variant Classification Scheme 2023. Collection method: clinical testing. Allele origin: germline.

Genome-Nilou Lab
Classification: Likely benign for Autosomal recessive limb-girdle muscular dystrophy type 2F. Last evaluated: 2023-02-08. Review status: criteria provided, single submitter. Criteria: ACMG Guidelines, 2015. Collection method: clinical testing. Allele origin: germline.

Genome-Nilou Lab
Classification: Likely benign for Dilated cardiomyopathy 1L. Last evaluated: 2023-02-08. Review status: criteria provided, single submitter. Criteria: ACMG Guidelines, 2015. Collection method: clinical testing. Allele origin: germline.

Fulgent Genetics
Classification: Likely benign for Autosomal recessive limb-girdle muscular dystrophy type 2F; Dilated cardiomyopathy 1L. Last evaluated: 2021-08-11. Review status: criteria provided, single submitter. Criteria: ACMG Guidelines, 2015. Collection method: clinical testing. Allele origin: unknown.

GeneDx
Classification: Likely benign. Last evaluated: 2016-03-29. Review status: criteria provided, single submitter. Criteria: GeneDx Variant Classification (06012015). Collection method: clinical testing. Allele origin: germline. Affected: yes.
Comment: This variant is considered likely benign or benign based on one or more of the following criteria: it is a conservative change, it occurs at a poorly conserved position in the protein, it is predicted to be benign by multiple in silico algorithms, and/or has population frequency not consistent with disease.

Laboratory for Molecular Medicine, Mass General Brigham Personalized Medicine
Classification: Likely benign. Last evaluated: 2011-03-08. Review status: criteria provided, single submitter. Criteria: LMM Criteria. Collection method: clinical testing. Allele origin: germline. Observed: 1 variant allele.
Comment: Ala131Ala in exon 6 of SGCD: This variant is not expected to have clinical sign ificance because it does not alter an amino acid residue and is not located near a splice junction.

Counsyl
Classification: Likely benign for Dilated cardiomyopathy 1L; Autosomal recessive limb-girdle muscular dystrophy type 2F. Last evaluated: 2017-07-06. Review status: no assertion criteria provided. Collection method: clinical testing. Allele origin: unknown. Not counted in ClinVar's aggregate classification.

Literature cited by the submitters: PubMed 24503780 (cited by Counsyl).

NM_000337.6(SGCD):c.393C>T (p.Ala131=)

Gene: SGCD (sarcoglycan delta; plus strand). Cytogenetic location: 5q33.3.
Variant type: single nucleotide variant.
Coding change: c.393C>T on transcript NM_000337.6 (MANE Select); coding-DNA position 393, C replaced by T.
Protein change: p.Ala131=; no amino-acid change (alanine 131 retained).
Molecular consequence: synonymous variant.
Genome position (GRCh38, 1-based): chr5:156,594,942, C>T. VCF-style: chr5-156594942-C-T. GRCh37 (hg19) VCF-style: chr5-156021952-C-T.
Other names: c.390C>T, p.Ala130= (NM_001128209.2); c.393C>T, p.Ala131= (NM_172244.3).
Identifiers: ClinVar variation 48119 (VCV000048119.21), dbSNP rs397517922, ClinGen allele CA142630.
Genomic context (GRCh38, chr5:156,594,942, plus strand): 5'-TCTCTCTCTCCTCTCTCCTCTCTATCTCTCTATCTCTCTATATCTCTCAGGTCCAAAAGC[C>T]GTAGAAGCTTATGGTAAAAAATTTGAGGTAAAAACTGTTTCTGGAAAATTGCTCTTCTCT-3'
Protein context (NP_000328.2, residues 121-141): VLTQLITGPK[Ala131=]VEAYGKKFEV